The following is an entry in ClinVar:

NM_001083116.3(PRF1):c.1169G>A (p.Arg390Gln)

Gene: PRF1 (perforin 1; minus strand). Cytogenetic location: 10q22.1.
Variant type: single nucleotide variant.
Coding change: c.1169G>A on transcript NM_001083116.3 (MANE Select); coding-DNA position 1169, G replaced by A.
Protein change: p.Arg390Gln; replaces arginine 390 with glutamine.
Molecular consequence: missense variant.
Genome position (GRCh38, 1-based): chr10:70,598,552, C>T on the plus strand (G>A on the coding strand, the complement: PRF1 is on the minus strand). VCF-style: chr10-70598552-C-T. GRCh37 (hg19) VCF-style: chr10-72358308-C-T.
Other names: c.1169G>A, p.Arg390Gln (NM_005041.6); short protein forms R390Q.
Identifiers: ClinVar variation 1923018 (VCV001923018.3), dbSNP rs775121659, ClinGen allele CA5538804.

ClinVar aggregate classification (germline): Uncertain significance. Review status: criteria provided, multiple submitters, no conflicts (2 of 4 stars). 2 submissions from 2 submitters: Uncertain significance (2). Last evaluated 2022-03-27.

Conditions:
Familial hemophagocytic lymphohistiocytosis 2 (FHL2). Also called: PRF1-Related Familial Hemophagocytic Lymphohistiocytosis (PRF1-fHLH). Identifiers: Orphanet 540, MedGen C1863727, MONDO:0011337, OMIM 603553.

Allele frequency attached by ClinVar (database versions not stated): ExAC 0.00001; gnomAD exomes 0.00002; TOPMed 0.00002; gnomAD 0.00003.
gnomAD v4.1: 29 of 1,612,858 alleles (0.0018%); highest among the groups gnomAD compares: African/African-American, 0.008%; no homozygotes.

Submissions (2):

Labcorp Genetics (formerly Invitae), Labcorp
Classification: Uncertain significance for Familial hemophagocytic lymphohistiocytosis 2. Last evaluated: 2022-03-27. Review status: criteria provided, single submitter. Criteria: Invitae Variant Classification Sherloc (09022015). Collection method: clinical testing. Allele origin: germline.
Comment: This sequence change replaces arginine, which is basic and polar, with glutamine, which is neutral and polar, at codon 390 of the PRF1 protein (p.Arg390Gln). This variant is present in population databases (rs775121659, gnomAD 0.009%). This variant has not been reported in the literature in individuals affected with PRF1-related conditions. Algorithms developed to predict the effect of missense changes on protein structure and function output the following: SIFT: "Tolerated"; PolyPhen-2: "Benign"; Align-GVGD: "Class C0". The glutamine amino acid residue is found in multiple mammalian species, which suggests that this missense change does not adversely affect protein function. In summary, the available evidence is currently insufficient to determine the role of this variant in disease. Therefore, it has been classified as a Variant of Uncertain Significance.

Blueprint Genetics
Classification: Uncertain significance. Last evaluated: 2019-03-06. Review status: criteria provided, single submitter. Criteria: ACMG Guidelines, 2015. Collection method: clinical testing. Allele origin: germline.